The following is an entry in ClinVar:

NM_000059.4:c.2197_2198ins[PX241360.1:g.1_284]

Gene: BRCA2 (BRCA2 DNA repair associated; plus strand).
Variant type: Insertion.
Other names: c.2197_2198ins[PX241360.1:g.1_284] (NM_000059.4).
Identifiers: ClinVar variation 4532268 (VCV004532268.1).

ClinVar aggregate classification (germline): Pathogenic (1 of 4 stars; one submission).

Conditions:
Hereditary cancer-predisposing syndrome. Also called: Tumor predisposition; Hereditary Cancer Syndrome; Hereditary neoplastic syndrome; Neoplastic Syndromes, Hereditary. Identifiers: Orphanet 140162, MedGen C0027672, MeSH D009386, MONDO:0015356.

Submission:

Molecular Diagnostics Laboratory, Catalan Institute of Oncology
Classification: Pathogenic for Hereditary cancer-predisposing syndrome. Last evaluated: 2025-05-23. Review status: criteria provided, single submitter. Criteria: ClinGen BRCA1BRCA2 ACMG Specifications BRCA2 V1.0.0. Collection method: clinical testing. Allele origin: germline. Inheritance: Autosomal dominant inheritance. Affected: yes.
Comment: c.2197_2198insAlu, located in exon 11 of the BRCA2 gene, consists in the insertion of an Alu element of 284 nucleotides, causing a translational frameshift with a predicted alternate stop codon (p.(Val733Glyfs*32)). This alteration is expected to result in loss of function by premature protein truncation and nonsense-mediated mRNA decay (PVS1+PM5_PTC_strong). It is not present in either of the population databases gnomAD v4.1.0 and gnomAD SVs v4.1.0 (PM2_supporting). The variant has not been reported in ClinVar or in LOVD databases. Based on the currently available information, c.2197_2198insAlu is classified as a likely pathogenic variant according to ClinGen-BRCA1 and BRCA2 Guidelines version 1.0.0.